The following is an entry in ClinVar:

ClinVar aggregate classification (germline): Uncertain significance. Review status: criteria provided, multiple submitters, no conflicts (2 of 4 stars). 2 submissions from 2 submitters: Uncertain significance (2). Last evaluated 2025-10-15.

Conditions:
Floating-Harbor syndrome (FLHS). Also called: Short stature with delayed bone age, expressive language delay, a triangular face with a prominent nose and deep-set eyes; Pelletier-Leisti syndrome; SRCAP-Related Floating-Harbor Syndrome. Identifiers: Orphanet 2044, MedGen C0729582, MONDO:0007621, OMIM 136140.
Developmental delay, hypotonia, musculoskeletal defects, and behavioral abnormalities. Identifiers: MedGen C5562012, MONDO:0859202, OMIM 619595.

Allele frequency attached by ClinVar (database versions not stated): gnomAD exomes 0.00001; ExAC 0.00002; gnomAD 0.00010 and 0.00011; TOPMed 0.00010; ESP Exome Variant Server 0.00015.
gnomAD v4.1: 22 of 1,614,040 alleles (0.0014%); highest among the groups gnomAD compares: African/African-American, 0.028%; no homozygotes.

Submissions (2):

Labcorp Genetics (formerly Invitae), Labcorp
Classification: Uncertain significance. Last evaluated: 2025-10-15. Review status: criteria provided, single submitter. Criteria: Invitae Variant Classification Sherloc (09022015). Collection method: clinical testing. Allele origin: germline.
Comment: This sequence change replaces proline, which is neutral and non-polar, with leucine, which is neutral and non-polar, at codon 2933 of the SRCAP protein (p.Pro2933Leu). This variant is present in population databases (rs368577129, gnomAD 0.03%). This variant has not been reported in the literature in individuals affected with SRCAP-related conditions. ClinVar contains an entry for this variant (Variation ID: 1475566). Invitae Evidence Modeling of protein sequence and biophysical properties (such as structural, functional, and spatial information, amino acid conservation, physicochemical variation, residue mobility, and thermodynamic stability) indicates that this missense variant is not expected to disrupt SRCAP protein function with a negative predictive value of 80%. In summary, the available evidence is currently insufficient to determine the role of this variant in disease. Therefore, it has been classified as a Variant of Uncertain Significance.

Fulgent Genetics
Classification: Uncertain significance for Floating-Harbor syndrome; Developmental delay, hypotonia, musculoskeletal defects, and behavioral abnormalities. Last evaluated: 2024-05-22. Review status: criteria provided, single submitter. Criteria: ACMG Guidelines, 2015. Collection method: clinical testing. Allele origin: germline.

NM_006662.3(SRCAP):c.8798C>T (p.Pro2933Leu)

Gene: SRCAP (Snf2 related CREBBP activator protein; plus strand). Cytogenetic location: 16p11.2.
Variant type: single nucleotide variant.
Coding change: c.8798C>T on transcript NM_006662.3 (MANE Select); coding-DNA position 8798, C replaced by T.
Protein change: p.Pro2933Leu; replaces proline 2933 with leucine.
Molecular consequence: missense variant.
Genome position (GRCh38, 1-based): chr16:30,738,838, C>T. VCF-style: chr16-30738838-C-T. GRCh37 (hg19) VCF-style: chr16-30750159-C-T.
Other names: short protein forms P2933L.
Identifiers: ClinVar variation 1475566 (VCV001475566.10), dbSNP rs368577129, ClinGen allele CA8012762.